The following is an entry in ClinVar:

ClinVar aggregate classification (germline): Likely benign (1 of 4 stars; one submission).

Allele frequency attached by ClinVar (database versions not stated): 1000 Genomes Project 0.00020; gnomAD 0.00026; 1000 Genomes Project 30x 0.00031; gnomAD exomes 0.00034; ESP Exome Variant Server 0.00054; ExAC 0.00015; TOPMed 0.00019.
gnomAD v4.1: 536 of 1,594,508 alleles (0.034%); highest among the groups gnomAD compares: Non-Finnish European, 0.041%; 1 homozygote.

Submission:

CeGaT Center for Human Genetics Tuebingen
Classification: Likely benign. Last evaluated: 2024-02-01. Review status: criteria provided, single submitter. Criteria: CeGaT Center For Human Genetics Tuebingen Variant Classification Criteria Version 2. Collection method: clinical testing. Allele origin: germline. Affected: yes. Observed: 1 variant allele.
Comment: GATB: BP4, BP7

NM_004564.3(GATB):c.1152T>C (p.Leu384=)

Gene: GATB (glutamyl-tRNA amidotransferase subunit B; minus strand). Cytogenetic location: 4q31.3.
Variant type: single nucleotide variant.
Coding change: c.1152T>C on transcript NM_004564.3 (MANE Select); coding-DNA position 1152, T replaced by C.
Protein change: p.Leu384=; no amino-acid change (leucine 384 retained).
Molecular consequence: synonymous variant.
Genome position (GRCh38, 1-based): chr4:151,701,374, A>G on the plus strand (T>C on the coding strand, the complement: GATB is on the minus strand). VCF-style: chr4-151701374-A-G. GRCh37 (hg19) VCF-style: chr4-152622526-A-G.
Other names: c.1152T>C, p.Leu384= (NM_001363341.2).
Identifiers: ClinVar variation 3025420 (VCV003025420.22), dbSNP rs147915190, ClinGen allele CA3105686.